The following is an entry in ClinVar:

ClinVar aggregate classification (germline): Uncertain significance. Review status: criteria provided, multiple submitters, no conflicts (2 of 4 stars). 2 submissions from 2 submitters: Uncertain significance (2). Last evaluated 2024-06-26.

Allele frequency attached by ClinVar (database versions not stated): gnomAD 0.00001; TOPMed 0.00001; ExAC 0.00002.
gnomAD v4.1: 33 of 1,605,918 alleles (0.0021%); highest among the groups gnomAD compares: Non-Finnish European, 0.0025%; no homozygotes.

Submissions (2):

Labcorp Genetics (formerly Invitae), Labcorp
Classification: Uncertain significance. Last evaluated: 2024-06-26. Review status: criteria provided, single submitter. Criteria: Invitae Variant Classification Sherloc (09022015). Collection method: clinical testing. Allele origin: germline.
Comment: This sequence change replaces proline, which is neutral and non-polar, with serine, which is neutral and polar, at codon 321 of the KANK2 protein (p.Pro321Ser). This variant is present in population databases (rs753113059, gnomAD 0.002%). This variant has not been reported in the literature in individuals affected with KANK2-related conditions. An algorithm developed to predict the effect of missense changes on protein structure and function (PolyPhen-2) suggests that this variant is likely to be tolerated. In summary, the available evidence is currently insufficient to determine the role of this variant in disease. Therefore, it has been classified as a Variant of Uncertain Significance.

Ambry Genetics
Classification: Uncertain significance. Last evaluated: 2024-01-16. Review status: criteria provided, single submitter. Criteria: Ambry Variant Classification Scheme 2023. Collection method: clinical testing. Allele origin: germline.

NM_001136191.3(KANK2):c.961C>T (p.Pro321Ser)

Gene: KANK2 (KN motif and ankyrin repeat domains 2; minus strand). Cytogenetic location: 19p13.2.
Variant type: single nucleotide variant.
Coding change: c.961C>T on transcript NM_001136191.3 (MANE Select); coding-DNA position 961, C replaced by T.
Protein change: p.Pro321Ser; replaces proline 321 with serine.
Molecular consequence: missense variant.
Genome position (GRCh38, 1-based): chr19:11,193,119, G>A on the plus strand (C>T on the coding strand, the complement: KANK2 is on the minus strand). VCF-style: chr19-11193119-G-A. GRCh37 (hg19) VCF-style: chr19-11303795-G-A.
Other names: c.961C>T, p.Pro321Ser (NM_001329451.2, NM_001379548.1, NM_001379549.1 and 15 more transcripts); short protein forms P321S.
Identifiers: ClinVar variation 3112614 (VCV003112614.3), dbSNP rs753113059, ClinGen allele CA9205938.